The following is an entry in ClinVar:

NM_130847.3(AMOTL1):c.1570A>G (p.Thr524Ala)

Gene: AMOTL1 (angiomotin like 1; plus strand). Cytogenetic location: 11q21.
Variant type: single nucleotide variant.
Coding change: c.1570A>G on transcript NM_130847.3 (MANE Select); coding-DNA position 1570, A replaced by G.
Protein change: p.Thr524Ala; replaces threonine 524 with alanine.
Molecular consequence: missense variant.
Genome position (GRCh38, 1-based): chr11:94,831,463, A>G. VCF-style: chr11-94831463-A-G. GRCh37 (hg19) VCF-style: chr11-94564629-A-G.
Other names: c.1420A>G, p.Thr474Ala (NM_001301007.2); short protein forms T474A, T524A.
Identifiers: ClinVar variation 3371683 (VCV003371683.1).

ClinVar aggregate classification (germline): Uncertain significance (1 of 4 stars; one submission).

Submission:

GeneDx
Classification: Uncertain significance. Last evaluated: 2024-03-30. Review status: criteria provided, single submitter. Criteria: GeneDx Variant Classification Process June 2021. Collection method: clinical testing. Allele origin: germline. Affected: yes.
Comment: In silico analysis supports that this missense variant has a deleterious effect on protein structure/function; Has not been previously published as pathogenic or benign to our knowledge